The following is an entry in ClinVar:

ClinVar aggregate classification (germline): Conflicting classifications of pathogenicity. Review status: criteria provided, conflicting classifications (1 of 4 stars). 19 submissions from 19 submitters: Pathogenic (15); Uncertain significance (2). 2 of the submissions do not count toward it. Last evaluated 2026-05-10.

Conditions:
Nephrotic syndrome, type 2 (NPHS2). Also called: NEPHROTIC SYNDROME, STEROID-RESISTANT, AUTOSOMAL RECESSIVE. Identifiers: Orphanet 656, MedGen C1868672, MONDO:0010974, OMIM 600995.
Steroid-resistant nephrotic syndrome. Identifiers: MedGen C0403397, MONDO:0044765, HP:0012588.
NPHS2-related disorder. Also called: NPHS2-related condition.

Submissions (19):

Victorian Clinical Genetics Services, Murdoch Childrens Research Institute
Classification: Pathogenic for Nephrotic syndrome, type 2. Last evaluated: 2026-05-10. Review status: criteria provided, single submitter. Criteria: ACMG Guidelines, 2015. Collection method: clinical testing. Allele origin: germline. Affected: yes.
Comment: This variant is classified as Pathogenic. Evidence in support of pathogenic classification: Variant is predicted to cause nonsense-mediated decay (NMD) and loss of protein (premature termination codon is located at least 54 nucleotides upstream of the final exon-exon junction); Variant is present in gnomAD <0.01 for a recessive condition (v2: 42 heterozygote(s), 0 homozygote(s)) ; This variant has strong previous evidence of pathogenicity in unrelated individuals. This variant has been classified pathogenic by multiple clinical laboratories (ClinVar). Additional information: This variant is heterozygous; This gene is associated with autosomal recessive disease; Loss of function is a known mechanism of disease in this gene and is associated with nephrotic syndrome, type 2 (MIM#600995); Heterozygous variant detected in trans with a second PATHOGENIC heterozygous variant (NM_014625.4(NPHS2):c.413G>A; p.(Arg138Gln)) in a recessive disease.

Natera, Inc.
Classification: Pathogenic for Steroid-resistant nephrotic syndrome. Last evaluated: 2025-12-31. Review status: criteria provided, single submitter. Criteria: Natera Variant Classification Schema (03/2026). Collection method: clinical testing. Allele origin: germline.
Comment: The c.467dupT variant in NPHS2 is a frameshift variant predicted to shift the reading frame beginning at codon 156 and leads to a stop codon 11 codons downstream. This variant is expected to result in nonsense mediated decay, truncation, or a dysfunctional protein product. This variant is rare in the general population with a frequency below the threshold expected for the associated phenotype(s). This variant has been observed in one or more individuals affected with the associated recessive disease, as either homozygous or compound heterozygous with a second variant (PMID: 25349199). Given the available evidence, this variant is classified as Pathogenic.

Genomic Medicine Center of Excellence, King Faisal Specialist Hospital and Research Centre
Classification: Pathogenic for Nephrotic syndrome, type 2. Last evaluated: 2025-09-10. Review status: criteria provided, single submitter. Criteria: ACMG Guidelines, 2015. Collection method: clinical testing. Allele origin: germline.

Labcorp Genetics (formerly Invitae), Labcorp
Classification: Pathogenic. Last evaluated: 2025-01-30. Review status: criteria provided, single submitter. Criteria: Invitae Variant Classification Sherloc (09022015). Collection method: clinical testing. Allele origin: germline.
Comment: This sequence change creates a premature translational stop signal (p.Leu156Phefs*11) in the NPHS2 gene. It is expected to result in an absent or disrupted protein product. Loss-of-function variants in NPHS2 are known to be pathogenic (PMID: 10742096, 14701729, 15253708, 23595123). The frequency data for this variant in the population databases is considered unreliable, as metrics indicate poor data quality at this position in the gnomAD database. This premature translational stop signal has been observed in individuals with steroid-resistant nephrotic syndrome or focal segmental glomerulosclerosis (PMID: 11729243, 19674119, 25903641, 28204945). ClinVar contains an entry for this variant (Variation ID: 556941). For these reasons, this variant has been classified as Pathogenic.

Genetics and Genomic Medicine Centre, NeuroGen Healthcare, NeuroGen Healthcare
Classification: Pathogenic for Nephrotic syndrome, type 2. Last evaluated: 2024-10-14. Review status: criteria provided, single submitter. Criteria: ACMG Guidelines, 2015. Collection method: clinical testing. Allele origin: unknown. Affected: yes.

Fulgent Genetics
Classification: Pathogenic for Nephrotic syndrome, type 2. Last evaluated: 2024-06-06. Review status: criteria provided, single submitter. Criteria: ACMG Guidelines, 2015. Collection method: clinical testing. Allele origin: germline.

Precision Medicine Center, Zhengzhou University
Classification: Pathogenic for Nephrotic syndrome, type 2. Last evaluated: 2023-12-01. Review status: criteria provided, single submitter. Criteria: ACMG Guidelines, 2015. Collection method: clinical testing. Allele origin: maternal. Affected: yes.
Comment: PVS1,PM2_p,PP4

3billion
Classification: Pathogenic for Nephrotic syndrome, type 2. Last evaluated: 2022-05-22. Review status: criteria provided, single submitter. Criteria: ACMG Guidelines, 2015. Collection method: clinical testing. Allele origin: germline. Affected: yes. Observed: 1 heterozygote.
Comment: The variant is observed at an extremely low frequency in the gnomAD v2.1.1 dataset (total allele frequency: 0.021%). Frameshift: predicted to result in a loss or disruption of normal protein function through nonsense-mediated decay (NMD) or protein truncation. Multiple pathogenic variants are reported downstream of the variant. The variant has been reported to be associated with NPHS2 related disorder (ClinVar ID: VCV000556941 / PMID: 11729243). Therefore, this variant is classified as pathogenic according to the recommendation of ACMG/AMP guideline.

Revvity Omics, Revvity
Classification: Pathogenic for Nephrotic syndrome, type 2. Last evaluated: 2020-10-07. Review status: criteria provided, single submitter. Criteria: ACMG Guidelines, 2015. Collection method: clinical testing. Allele origin: germline.

GeneDx
Classification: Uncertain significance. Last evaluated: 2020-06-26. Review status: criteria provided, single submitter. Criteria: GeneDx Variant Classification Process June 2021. Collection method: clinical testing. Allele origin: germline. Affected: yes.
Comment: Frameshift variant predicted to result in protein truncation or nonsense mediated decay in a gene for which loss-of-function is a known mechanism of disease; This variant is associated with the following publications: (PMID: 28780565, 28204945, 19674119, 25903641, 15338398, 11729243, 15059485, 30295827, 31209189, 33428103)

Institute of Human Genetics Munich, TUM University Hospital
Classification: Pathogenic for Nephrotic syndrome, type 2. Last evaluated: 2019-05-08. Review status: criteria provided, single submitter. Criteria: Classification criteria August 2017. Collection method: clinical testing. Allele origin: germline, paternal. Inheritance: Autosomal recessive inheritance. Affected: yes. Observed: 2 compound heterozygotes.

Genomic Research Center, Shahid Beheshti University of Medical Sciences
Classification: Uncertain significance for Nephrotic syndrome, idiopathic, steroid-resistant. Last evaluated: 2018-08-07. Review status: criteria provided, single submitter. Criteria: ACMG Guidelines, 2015. Collection method: clinical testing. Allele origin: inherited. Affected: yes. Observed: 1 variant allele.

Department of Genetics, Sultan Qaboos University Hospital
Classification: Pathogenic for Nephrotic syndrome, type 2. Last evaluated: 2017-12-30. Review status: criteria provided, single submitter. Criteria: ACMG Guidelines, 2015. Collection method: curation. Allele origin: unknown. Affected: yes.

Women's Health and Genetics/Laboratory Corporation of America, LabCorp
Classification: Pathogenic for Idiopathic nephrotic syndrome. Last evaluated: 2017-09-11. Review status: criteria provided, single submitter. Criteria: LabCorp Variant Classification Summary - May 2015. Collection method: clinical testing. Allele origin: germline.
Comment: Variant summary: The NPHS2 c.467dupT (p.Leu156PhefsX11) variant results in a premature termination codon, predicted to cause a truncated or absent NPHS2 protein due to nonsense mediated decay, which are commonly known mechanisms for disease. One in silico tool predicts a damaging outcome for this variant. This variant was found in 42/199282 control chromosomes at a frequency of 0.0002108, which does not exceed the estimated maximal expected allele frequency of a pathogenic NPHS2 variant (0.0017678). This variant has been reported in multiple patients with steroid-resistant nephrotic syndrome and classified as pathogenic by a reputable database. Taken together, this variant is classified as pathogenic.

Juno Genomics, Hangzhou Juno Genomics, Inc
Classification: Pathogenic for Nephrotic syndrome, type 2. Review status: criteria provided, single submitter. Criteria: ACMG Guidelines, 2015. Collection method: clinical testing. Allele origin: germline.
Comment: Absent from controls (or at extremely low frequency if recessive) in Genome Aggregation Database.;Null variant in a gene where loss of function (LOF) is a known mechanism of disease.;For recessive disorders, detected in trans with a pathogenic variant.

Kariminejad - Najmabadi Pathology & Genetics Center
Classification: Pathogenic for Nephrotic syndrome, type 2. Review status: criteria provided, single submitter. Criteria: ACMG Guidelines, 2015. Collection method: clinical testing. Allele origin: germline. Affected: no.

Neuberg Centre For Genomic Medicine, NCGM
Classification: Pathogenic for Nephrotic syndrome, type 2. Review status: criteria provided, single submitter. Criteria: ACMG Guidelines, 2015. Collection method: clinical testing. Allele origin: germline. Inheritance: Autosomal recessive inheritance. Affected: yes.
Comment: The frameshift c.467dup p.Leu156PhefsTer11 variant in NPHS2 gene has been reported previously in both homozygous and compound heterozygous state in individuals affected with nephrotic syndrome Wang et al. 2017; Shi et al. 2021. The p.Leu156PhefsTer11 variant is reported with an allele frequency of 0.02% in the gnomAD exomes database and is novel not in any individuals in 1000 Genomes database. This variant has been reported to the ClinVar database as Uncertain Significance / Pathogenic multiple submissions. This variant causes a frameshift starting with codon Leucine 156, changes this amino acid to Phenylalanine residue, and creates a premature Stop codon at position 11 of the new reading frame, denoted p.Leu156PhefsTer11. This variant is predicted to cause loss of normal protein function through protein truncation. Loss of function variants have been previously reported to be disease causing. For these reasons, this variant has been classified as Pathogenic.

PreventionGenetics, part of Exact Sciences
Classification: Pathogenic for NPHS2-related condition. Last evaluated: 2024-05-13. Review status: no assertion criteria provided. Collection method: clinical testing. Allele origin: germline. Not counted in ClinVar's aggregate classification.
Comment: The NPHS2 c.467dupT variant is predicted to result in a frameshift and premature protein termination (p.Leu156Phefs*11). This variant was reported in multiple individuals with autosomal recessive nephrotic syndrome (Caridi et al. 2001. PubMed ID: 11729243; Klaassen et al. 2015. PubMed ID: 25903641; Saeed et al. 2021. PubMed ID: 33565430; Table S1, Zhu et al. 2022. PubMed ID: 35755072). This variant is reported in 0.057% of alleles in individuals of African descent in gnomAD. Frameshift variants in NPHS2 are expected to be pathogenic. This variant is interpreted as pathogenic.

Counsyl
Classification: Pathogenic for Nephrotic syndrome, type 2. Last evaluated: 2018-02-27. Review status: no assertion criteria provided. Collection method: clinical testing. Allele origin: unknown. Not counted in ClinVar's aggregate classification.

Literature cited by the submitters: PubMed 25349199 (cited by Natera, Inc.); PubMed 10742096 (cited by Labcorp Genetics (formerly Invitae), Labcorp); PubMed 14701729 (cited by Labcorp Genetics (formerly Invitae), Labcorp); PubMed 15253708 (cited by Labcorp Genetics (formerly Invitae), Labcorp); PubMed 23595123 (cited by Labcorp Genetics (formerly Invitae), Labcorp); PubMed 11729243 (cited by 3 submitters); PubMed 19674119 (cited by Labcorp Genetics (formerly Invitae), Labcorp and Counsyl); PubMed 25903641 (cited by Labcorp Genetics (formerly Invitae), Labcorp); PubMed 28204945 (cited by Labcorp Genetics (formerly Invitae), Labcorp and Women's Health and Genetics/Laboratory Corporation of America, LabCorp); PubMed 18216321 (cited by Women's Health and Genetics/Laboratory Corporation of America, LabCorp); PubMed 20001346 (cited by Counsyl); PubMed 15327385 (cited by Counsyl); PubMed 15322893 (cited by Counsyl); PubMed 14978175 (cited by Counsyl).

NM_014625.4(NPHS2):c.467dup (p.Leu156fs)

Gene: NPHS2 (NPHS2 stomatin family member, podocin; minus strand). Cytogenetic location: 1q25.2.
Variant type: Duplication.
Coding change: c.467dup on transcript NM_014625.4 (MANE Select); coding-DNA position 467, one base duplicated (T; older notation c.467dupT).
Protein change: p.Leu156fs; shifts the reading frame from leucine 156.
Molecular consequence: frameshift variant.
Genome position (GRCh38, 1-based): chr1:179,559,746, A duplicated on the plus strand (T on the coding strand, the reverse complement: NPHS2 is on the minus strand); the first of 8 consecutive A bases (chr1:179,559,746-179,559,753); duplicating any one gives the same sequence. VCF-style (leftmost placement, unchanged base first): chr1-179559745-C-CA. GRCh37 (hg19) VCF-style: chr1-179528880-C-CA.
Other names: c.467dupT (NM_014625.3, NM_014625.4); c.467dup (NM_014625.2); c.467dup, p.Leu156fs (NM_001297575.2); short protein forms L156fs.
Identifiers: ClinVar variation 556941 (VCV000556941.42), dbSNP rs528833893, ClinGen allele CA1267204.